The following is an entry in ClinVar:

NM_152641.4(ARID2):c.5109T>A (p.Asp1703Glu)

Gene: ARID2 (AT-rich interaction domain 2; plus strand). Cytogenetic location: 12q12.
Variant type: single nucleotide variant.
Coding change: c.5109T>A on transcript NM_152641.4 (MANE Select); coding-DNA position 5109, T replaced by A.
Protein change: p.Asp1703Glu; replaces aspartic acid 1703 with glutamic acid.
Molecular consequence: missense variant.
Genome position (GRCh38, 1-based): chr12:45,892,058, T>A. VCF-style: chr12-45892058-T-A. GRCh37 (hg19) VCF-style: chr12-46285841-T-A.
Other names: c.5109T>A, p.Asp1703Glu (NM_001347839.2); short protein forms D1703E.
Identifiers: ClinVar variation 1800811 (VCV001800811.1), dbSNP rs961359457, ClinGen allele CA236427990.
Genomic context (GRCh38, chr12:45,892,058, plus strand): 5'-CTTCCTCAAAAAGGATAAGCACTGTTCAAAGGATGCCCTACTTGCAGGATTAAAACAAGA[T>A]GAACCAGGACAAGCAGGAAGTCAGAAGTCTTCTACCAAGTAAGGAAAATGAGTTTACTTC-3'
Protein context (NP_689854.2, residues 1693-1713): KDALLAGLKQ[Asp1703Glu]EPGQAGSQKS

ClinVar aggregate classification (germline): Uncertain significance (1 of 4 stars; one submission).

Allele frequency attached by ClinVar (database versions not stated): gnomAD exomes 0.00001; TOPMed 0.00002.
gnomAD v4.1: 8 of 1,614,070 alleles (0.0005%); highest among the groups gnomAD compares: Non-Finnish European, 0.00059%; no homozygotes.

Submission:

GeneDx
Classification: Uncertain significance. Last evaluated: 2022-05-26. Review status: criteria provided, single submitter. Criteria: GeneDx Variant Classification Process June 2021. Collection method: clinical testing. Allele origin: germline. Affected: yes.
Comment: Not observed at significant frequency in large population cohorts (gnomAD); In silico analysis supports that this missense variant does not alter protein structure/function; Has not been previously published as pathogenic or benign to our knowledge